The following is an entry in ClinVar:

ClinVar aggregate classification (germline): Uncertain significance (1 of 4 stars; one submission).

gnomAD v4.1: 18 of 1,557,124 alleles (0.0012%); highest among the groups gnomAD compares: East Asian, 0.0048%; no homozygotes.

Submission:

GeneDx
Classification: Uncertain significance. Last evaluated: 2025-05-07. Review status: criteria provided, single submitter. Criteria: GeneDx Variant Classification Process June 2021. Collection method: clinical testing. Allele origin: germline. Affected: yes.
Comment: In silico analysis supports that this missense variant has a deleterious effect on protein structure/function; Has not been previously published as pathogenic or benign to our knowledge

NM_032656.4(DHX37):c.442G>A (p.Gly148Ser)

Gene: DHX37 (DEAH-box helicase 37; minus strand). Cytogenetic location: 12q24.31.
Variant type: single nucleotide variant.
Coding change: c.442G>A on transcript NM_032656.4 (MANE Select); coding-DNA position 442, G replaced by A.
Protein change: p.Gly148Ser; replaces glycine 148 with serine.
Molecular consequence: missense variant.
Genome position (GRCh38, 1-based): chr12:124,980,786, C>T on the plus strand (G>A on the coding strand, the complement: DHX37 is on the minus strand). VCF-style: chr12-124980786-C-T. GRCh37 (hg19) VCF-style: chr12-125465332-C-T.
Other names: short protein forms G148S.
Identifiers: ClinVar variation 4527798 (VCV004527798.1).